The following is an entry in ClinVar:

NM_001375905.1(SGMS2):c.469C>T (p.Arg157Cys)

Genes: CYP2U1-AS1 (CYP2U1 and SGMS2 antisense RNA 1; minus strand), SGMS2 (sphingomyelin synthase 2; plus strand). Cytogenetic location: 4q25.
Variant type: single nucleotide variant.
Coding change: c.469C>T on transcript NM_001375905.1 (MANE Select); coding-DNA position 469, C replaced by T.
Protein change: p.Arg157Cys; replaces arginine 157 with cysteine.
Molecular consequence: missense variant. On other transcripts: 5 prime UTR variant (1).
Genome position (GRCh38, 1-based): chr4:107,899,588, C>T. VCF-style: chr4-107899588-C-T. GRCh37 (hg19) VCF-style: chr4-108820744-C-T.
Other names: c.469C>T, p.Arg157Cys (NM_001136257.2, NM_001136258.2, NM_001375906.1 and 4 more transcripts); c.-51C>T (NM_001375911.1); short protein forms R157C.
Identifiers: ClinVar variation 4749083 (VCV004749083.1).

ClinVar aggregate classification (germline): Uncertain significance (1 of 4 stars; one submission).

Submission:

Labcorp Genetics (formerly Invitae), Labcorp
Classification: Uncertain significance. Last evaluated: 2025-01-29. Review status: criteria provided, single submitter. Criteria: Invitae Variant Classification Sherloc (09022015). Collection method: clinical testing. Allele origin: germline.
Comment: This sequence change replaces arginine, which is basic and polar, with cysteine, which is neutral and slightly polar, at codon 157 of the SGMS2 protein (p.Arg157Cys). This variant is present in population databases (rs763770355, gnomAD 0.008%). This variant has not been reported in the literature in individuals affected with SGMS2-related conditions. Invitae Evidence Modeling of protein sequence and biophysical properties (such as structural, functional, and spatial information, amino acid conservation, physicochemical variation, residue mobility, and thermodynamic stability) indicates that this missense variant is expected to disrupt SGMS2 protein function with a positive predictive value of 80%. In summary, the available evidence is currently insufficient to determine the role of this variant in disease. Therefore, it has been classified as a Variant of Uncertain Significance.